The following is an entry in ClinVar:

ClinVar aggregate classification (germline): Uncertain significance (1 of 4 stars; one submission).

Conditions:
Inborn genetic diseases. Identifiers: MedGen C0950123, MeSH D030342.

Allele frequency attached by ClinVar (database versions not stated): TOPMed below 0.00001; gnomAD 0.00001; gnomAD exomes 0.00001.
gnomAD v4.1: 10 of 1,613,988 alleles (0.00062%); highest among the groups gnomAD compares: Non-Finnish European, 0.00076%; no homozygotes.

Submission:

Ambry Genetics
Classification: Uncertain significance for Inborn genetic diseases. Last evaluated: 2023-02-14. Review status: criteria provided, single submitter. Criteria: Ambry Variant Classification Scheme 2023. Collection method: clinical testing. Allele origin: germline.
Comment: The p.R716H variant (also known as c.2147G>A), located in coding exon 15 of the MIB1 gene, results from a G to A substitution at nucleotide position 2147. The arginine at codon 716 is replaced by histidine, an amino acid with highly similar properties. This amino acid position is conserved. In addition, the in silico prediction for this alteration is inconclusive. Since supporting evidence is limited at this time, the clinical significance of this alteration remains unclear.

NM_020774.4(MIB1):c.2147G>A (p.Arg716His)

Gene: MIB1 (MIB E3 ubiquitin protein ligase 1; plus strand). Cytogenetic location: 18q11.2.
Variant type: single nucleotide variant.
Coding change: c.2147G>A on transcript NM_020774.4 (MANE Select); coding-DNA position 2147, G replaced by A.
Protein change: p.Arg716His; replaces arginine 716 with histidine.
Molecular consequence: missense variant.
Genome position (GRCh38, 1-based): chr18:21,844,189, G>A. VCF-style: chr18-21844189-G-A. GRCh37 (hg19) VCF-style: chr18-19424150-G-A.
Other names: short protein forms R716H.
Identifiers: ClinVar variation 2497136 (VCV002497136.2), dbSNP rs1188043850, ClinGen allele CA401795092.